The following is an entry in ClinVar:

NM_033380.3(COL4A5):c.574G>C (p.Gly192Arg)

Gene: COL4A5 (collagen type IV alpha 5 chain; plus strand). Cytogenetic location: Xq22.3.
Variant type: single nucleotide variant.
Coding change: c.574G>C on transcript NM_033380.3 (MANE Select); coding-DNA position 574, G replaced by C.
Protein change: p.Gly192Arg; replaces glycine 192 with arginine.
Molecular consequence: missense variant.
Genome position (GRCh38, 1-based): chrX:108,575,937, G>C. VCF-style: chrX-108575937-G-C. GRCh37 (hg19) VCF-style: chrX-107819167-G-C.
Other names: c.574G>C, p.Gly192Arg (NM_000495.5); short protein forms G192R.
Identifiers: ClinVar variation 4293664 (VCV004293664.1).

ClinVar aggregate classification (germline): Likely pathogenic (1 of 4 stars; one submission).

Conditions:
X-linked Alport syndrome (ATS1). Also called: NEPHROPATHY AND DEAFNESS, X-LINKED; COL4A5-Related Nephropathy. Identifiers: Orphanet 63, Orphanet 88917, MedGen C4746986, MONDO:0010520, OMIM 301050.

Submission:

3billion
Classification: Likely pathogenic for X-linked Alport syndrome. Last evaluated: 2024-06-19. Review status: criteria provided, single submitter. Criteria: ACMG Guidelines, 2015. Collection method: clinical testing. Allele origin: germline. Affected: yes.
Comment: The variant is not observed in the gnomAD v4.0.0 dataset. Predicted Consequence/Location: The variant is located in a mutational hot spot and/or well-established functional domain in which established pathogenic variants have been reported. In silico tool predictions suggest damaging effect of the variant on gene or gene product [REVEL: 0.98 (>=0.6, sensitivity 0.68 and specificity 0.92)]. The different nucleotide change resulting in the same amino acid change has been previously reported to be associated with COL4A5-related disorder(ClinVar ID: VCV000024291 /PMID: 11223851). Different missense changes at the same codon (p.Gly192Glu, p.Gly192Trp) have been reported as pathogenic/likely pathogenic with strong evidence (ClinVar ID: VCV000452664, VCV001508006 /PMID: 20884774). Therefore, this variant is classified as Likely pathogenic according to the recommendation of ACMG/AMP guideline.

Literature cited by the submitters: PubMed 11223851; PubMed 20884774.